The following is an entry in ClinVar:

ClinVar aggregate classification (germline): Likely pathogenic (1 of 4 stars; one submission).

Conditions:
Distichiasis-lymphedema syndrome. Also called: LYMPHEDEMA WITH DISTICHIASIS. Identifiers: Orphanet 33001, MedGen C0265345, MONDO:0007922, OMIM 153400.

Submission:

Molecular Genetics Department, Kulakov National Medical Research Center for Obstetrics, Gynecology and Perinatology
Classification: Likely pathogenic for Distichiasis-lymphedema syndrome. Review status: criteria provided, single submitter. Criteria: ACMG Guidelines, 2015. Collection method: clinical testing. Allele origin: germline. Affected: yes. Observed: 1 variant allele.
Comment: A previously undescribed heterozygous nucleotide variant creates a frameshift p.Pro403ArgfsTer30 in the FOXC2 gene (rs1157761462). Heterozygous variants are reported in patients with lymphedema-distichiasis syndrome, 153400; Lymphedema-distichiasis syndrome with renal disease and diabetes mellitus, 153400. The variant frequency in population database gnomAD is 0.00039%. In summary, the currently available evidence indicates that the variant is pathogenic, but additional data are needed to prove that conclusively. Therefore, this variant has been classified as likely pathogenic.

NM_005251.3(FOXC2):c.1208del (p.Pro403fs)

Gene: FOXC2 (forkhead box C2; plus strand). Cytogenetic location: 16q24.1.
Variant type: Deletion.
Coding change: c.1208del on transcript NM_005251.3 (MANE Select); coding-DNA position 1208, one base deleted (C; older notation c.1208delC).
Protein change: p.Pro403fs; shifts the reading frame from proline 403.
Molecular consequence: frameshift variant.
Genome position (GRCh38, 1-based): chr16:86,568,543, C deleted; the last of 5 consecutive C bases (chr16:86,568,539-86,568,543); deleting any one gives the same sequence. VCF-style (leftmost placement, unchanged base first): chr16-86568538-GC-G. GRCh37 (hg19) VCF-style: chr16-86602144-GC-G.
Other names: short protein forms P403fs.
Identifiers: ClinVar variation 4294514 (VCV004294514.1).